The following is an entry in ClinVar:

ClinVar aggregate classification (germline): Uncertain significance (1 of 4 stars; one submission).

Conditions:
Hypertrophic cardiomyopathy. Also called: HYPERTROPHIC MYOCARDIOPATHY. Identifiers: Orphanet 217569, MedGen C0007194, MeSH D002312, MONDO:0005045, HP:0001639.

Submission:

Labcorp Genetics (formerly Invitae), Labcorp
Classification: Uncertain significance for Hypertrophic cardiomyopathy. Last evaluated: 2022-10-09. Review status: criteria provided, single submitter. Criteria: Invitae Variant Classification Sherloc (09022015). Collection method: clinical testing. Allele origin: germline.
Comment: This variant has not been reported in the literature in individuals affected with MYH7-related conditions. This variant is not present in population databases (gnomAD no frequency). This sequence change affects an acceptor splice site in intron 32 of the MYH7 gene. It is expected to disrupt RNA splicing. Variants that disrupt the donor or acceptor splice site typically lead to a loss of protein function (PMID: 16199547), however the current clinical and genetic evidence is not sufficient to establish whether loss-of-function variants in MYH7 cause disease. Algorithms developed to predict the effect of sequence changes on RNA splicing suggest that this variant may disrupt the consensus splice site. In summary, the available evidence is currently insufficient to determine the role of this variant in disease. Therefore, it has been classified as a Variant of Uncertain Significance.

Literature cited by the submitters: PubMed 16199547.

NM_000257.4(MYH7):c.4520-1G>T

Genes: MHRT (myosin heavy chain associated RNA transcript; plus strand), MYH7 (myosin heavy chain 7; minus strand). Cytogenetic location: 14q11.2.
Variant type: single nucleotide variant.
Coding change: c.4520-1G>T on transcript NM_000257.4 (MANE Select); the canonical splice acceptor site of the intron before coding-DNA position 4520, G replaced by T.
Molecular consequence: splice acceptor variant. On other transcripts: non-coding transcript variant (1).
Genome position (GRCh38, 1-based): chr14:23,416,993, C>A on the plus strand (G>T on the coding strand, the complement: MYH7 is on the minus strand). VCF-style: chr14-23416993-C-A. GRCh37 (hg19) VCF-style: chr14-23886202-C-A.
Other names: c.4520-1G>T (NM_001407004.1).
Identifiers: ClinVar variation 2034903 (VCV002034903.4), dbSNP rs730880801, ClinGen allele CA015055.